The following is an entry in ClinVar:

NM_032638.5(GATA2):c.866G>T (p.Cys289Phe)

Gene: GATA2 (GATA binding protein 2; minus strand). Cytogenetic location: 3q21.3.
Variant type: single nucleotide variant.
Coding change: c.866G>T on transcript NM_032638.5 (MANE Select); coding-DNA position 866, G replaced by T.
Protein change: p.Cys289Phe; replaces cysteine 289 with phenylalanine.
Molecular consequence: missense variant.
Genome position (GRCh38, 1-based): chr3:128,485,732, C>A on the plus strand (G>T on the coding strand, the complement: GATA2 is on the minus strand). VCF-style: chr3-128485732-C-A. GRCh37 (hg19) VCF-style: chr3-128204575-C-A.
Other names: c.866G>T, p.Cys289Phe (NM_001145661.2, NM_001145662.1); short protein forms C289F.
Identifiers: ClinVar variation 2938938 (VCV002938938.3), dbSNP rs780479282, ClinGen allele CA354405100.

ClinVar aggregate classification (germline): Uncertain significance (1 of 4 stars; one submission).

Conditions:
Deafness-lymphedema-leukemia syndrome. Also called: Lymphedema, primary, with myelodysplasia; Emberger syndrome. Identifiers: Orphanet 3226, MedGen C3279664, MONDO:0013540, OMIM 614038.
Monocytopenia with susceptibility to infections. Also called: MONOCYTOPENIA AND MYCOBACTERIAL INFECTION SYNDROME; MONOCYTOPENIA WITH SUSCEPTIBILITY TO MYCOBACTERIAL, FUNGAL, AND PAPILLOMAVIRUS INFECTIONS AND MYELODYSPLASIA; COMBINED IMMUNODEFICIENCY WITH SUSCEPTIBILITY TO MYCOBACTERIAL, VIRAL, AND FUNGAL INFECTIONS; Dendritic cell, monocyte, B lymphocyte, and natural killer lymphocyte deficiency; IMMUNODEFICIENCY 21; GATA2 DEFICIENCY. Identifiers: Orphanet 228423, MedGen C3280030, MONDO:0013607, OMIM 614172.

Submission:

Labcorp Genetics (formerly Invitae), Labcorp
Classification: Uncertain significance for Monocytopenia with susceptibility to infections; Deafness-lymphedema-leukemia syndrome. Last evaluated: 2023-02-14. Review status: criteria provided, single submitter. Criteria: Invitae Variant Classification Sherloc (09022015). Collection method: clinical testing. Allele origin: germline.
Comment: In summary, the available evidence is currently insufficient to determine the role of this variant in disease. Therefore, it has been classified as a Variant of Uncertain Significance. Algorithms developed to predict the effect of missense changes on protein structure and function (SIFT, PolyPhen-2, Align-GVGD) all suggest that this variant is likely to be tolerated. This variant has not been reported in the literature in individuals affected with GATA2-related conditions. This variant is not present in population databases (gnomAD no frequency). This sequence change replaces cysteine, which is neutral and slightly polar, with phenylalanine, which is neutral and non-polar, at codon 289 of the GATA2 protein (p.Cys289Phe).